The following is an entry in ClinVar:

NM_001378418.1(TCF20):c.1514C>T (p.Ser505Leu)

Gene: TCF20 (transcription factor 20; minus strand). Cytogenetic location: 22q13.2.
Variant type: single nucleotide variant.
Coding change: c.1514C>T on transcript NM_001378418.1 (MANE Select); coding-DNA position 1514, C replaced by T.
Protein change: p.Ser505Leu; replaces serine 505 with leucine.
Molecular consequence: missense variant.
Genome position (GRCh38, 1-based): chr22:42,213,792, G>A on the plus strand (C>T on the coding strand, the complement: TCF20 is on the minus strand). VCF-style: chr22-42213792-G-A. GRCh37 (hg19) VCF-style: chr22-42609798-G-A.
Other names: c.1514C>T, p.Ser505Leu (NM_005650.4, NM_181492.3); short protein forms S505L.
Identifiers: ClinVar variation 3359736 (VCV003359736.1).

ClinVar aggregate classification (germline): Uncertain significance (1 of 4 stars; one submission).

Submission:

GeneDx
Classification: Uncertain significance. Last evaluated: 2023-06-16. Review status: criteria provided, single submitter. Criteria: GeneDx Variant Classification Process June 2021. Collection method: clinical testing. Allele origin: germline. Affected: yes.
Comment: Not observed at significant frequency in large population cohorts (gnomAD); In silico analysis supports that this missense variant does not alter protein structure/function; Has not been previously published as pathogenic or benign to our knowledge